The following is an entry in ClinVar:

NM_001083961.2(WDR62):c.3878C>A (p.Ala1293Asp)

Gene: WDR62 (WD repeat domain 62; plus strand). Cytogenetic location: 19q13.12.
Variant type: single nucleotide variant.
Coding change: c.3878C>A on transcript NM_001083961.2 (MANE Select); coding-DNA position 3878, C replaced by A.
Protein change: p.Ala1293Asp; replaces alanine 1293 with aspartic acid.
Molecular consequence: missense variant.
Genome position (GRCh38, 1-based): chr19:36,103,706, C>A. VCF-style: chr19-36103706-C-A. GRCh37 (hg19) VCF-style: chr19-36594608-C-A.
Other names: c.3863C>A, p.Ala1288Asp (NM_173636.5); short protein forms A1293D, A1288D.
Identifiers: ClinVar variation 632061 (VCV000632061.12), dbSNP rs868263026, ClinGen allele CA307842658.

ClinVar aggregate classification (germline): Conflicting classifications of pathogenicity. Review status: criteria provided, conflicting classifications (1 of 4 stars). 4 submissions from 4 submitters: Likely pathogenic (1); Uncertain significance (3). Last evaluated 2026-06-25.

Conditions:
WDR62-related disorder. Also called: WDR62-related condition.
Microcephaly 2, primary, autosomal recessive, with or without cortical malformations. Also called: MICROCEPHALY 2, PRIMARY, AUTOSOMAL RECESSIVE, WITH CORTICAL MALFORMATIONS; WDR62 Primary Microcephaly. Identifiers: Orphanet 2512, MedGen C1858535, MONDO:0011435, OMIM 604317.

Allele frequency attached by ClinVar (database versions not stated): gnomAD exomes below 0.00001 and 0.00002; gnomAD 0.00002; TOPMed 0.00003.
gnomAD v4.1: 32 of 1,610,576 alleles (0.002%); highest among the groups gnomAD compares: Middle Eastern, 0.082%; no homozygotes.

Submissions (4):

PreventionGenetics, part of Exact Sciences
Classification: Likely pathogenic for WDR62-related condition. Last evaluated: 2026-06-25. Review status: criteria provided, single submitter. Criteria: ACMG Guidelines, 2015. Collection method: clinical testing. Allele origin: germline.
Comment: The WDR62 c.3878C>A variant is predicted to result in the amino acid substitution p.Ala1293Asp. This variant has been reported in the homozygous state in two siblings with primary microcephaly from a consanguineous family (Naseer et al. 2017. PubMed ID: 28377545). The clinical features listed for these reported patients include difficulty walking, speech delay, brain atrophy, and seizures. This variant has also been observed in the homozygous state in multiple individuals undergoing testing for one or more of the following indications: developmental delay, language impairment, gait ataxia, and generalized muscle weakness (PreventionGenetics internal data). This variant is present in 0.00088% of alleles in individuals of European (Non-Finnish) descent in gnomAD. This variant is interpreted as likely pathogenic.

Blueprint Genetics
Classification: Uncertain significance. Last evaluated: 2024-11-06. Review status: criteria provided, single submitter. Criteria: ACMG Guidelines, 2015. Collection method: clinical testing. Allele origin: germline.

Baylor Genetics
Classification: Uncertain significance for Microcephaly 2, primary, autosomal recessive, with or without cortical malformations. Last evaluated: 2020-01-23. Review status: criteria provided, single submitter. Criteria: ACMG Guidelines, 2015. Collection method: clinical testing. Allele origin: unknown. Affected: yes.
Comment: This variant was determined to be of uncertain significance according to ACMG Guidelines, 2015 [PMID:25741868].

Mayo Clinic Laboratories, Mayo Clinic
Classification: Uncertain significance. Last evaluated: 2019-04-07. Review status: criteria provided, single submitter. Criteria: ACMG Guidelines, 2015. Collection method: clinical testing. Allele origin: germline. Observed: 1 variant allele.